The following is an entry in ClinVar:

ClinVar aggregate classification (germline): Likely benign (1 of 4 stars; one submission).

Submission:

CeGaT Center for Human Genetics Tuebingen
Classification: Likely benign. Last evaluated: 2025-12-01. Review status: criteria provided, single submitter. Criteria: CeGaT Center For Human Genetics Tuebingen Variant Classification Criteria Version 2. Collection method: clinical testing. Allele origin: germline. Affected: yes. Observed: 1 variant allele.
Comment: HERC2: BP4, BP7

NM_004667.6(HERC2):c.6582C>T (p.Asp2194=)

Gene: HERC2 (HECT and RLD domain containing E3 ubiquitin protein ligase 2; minus strand). Cytogenetic location: 15q13.1.
Variant type: single nucleotide variant.
Coding change: c.6582C>T on transcript NM_004667.6 (MANE Select); coding-DNA position 6582, C replaced by T.
Protein change: p.Asp2194=; no amino-acid change (aspartic acid 2194 retained).
Molecular consequence: synonymous variant.
Genome position (GRCh38, 1-based): chr15:28,213,946, G>A on the plus strand (C>T on the coding strand, the complement: HERC2 is on the minus strand). VCF-style: chr15-28213946-G-A. GRCh37 (hg19) VCF-style: chr15-28459092-G-A.
Identifiers: ClinVar variation 4681297 (VCV004681297.5).
Genomic context (GRCh38, chr15:28,213,946, plus strand): 5'-ATCGATGCCTCCAATCACAGCCAGGACTGCCATGAGGCCCCCCACTTCAGGGTTCTCGGA[G>A]TCGGGGAAGTAGTCCTCTAACTGGGCCTAGTGCAGACCAAACAGCGAGCTCGACAGAGAC-3'
Protein context (NP_004658.3, residues 2184-2204): EGAQLEDYFP[Asp2194=]SENPEVGGLM